The following is an entry in ClinVar:

NM_001793.6(CDH3):c.760G>A (p.Ala254Thr)

Gene: CDH3 (cadherin 3; plus strand). Cytogenetic location: 16q22.1.
Variant type: single nucleotide variant.
Coding change: c.760G>A on transcript NM_001793.6 (MANE Select); coding-DNA position 760, G replaced by A.
Protein change: p.Ala254Thr; replaces alanine 254 with threonine.
Molecular consequence: missense variant.
Genome position (GRCh38, 1-based): chr16:68,679,867, G>A. VCF-style: chr16-68679867-G-A. GRCh37 (hg19) VCF-style: chr16-68713770-G-A.
Other names: c.760G>A, p.Ala254Thr (NM_001317195.3); c.595G>A, p.Ala199Thr (NM_001317196.2); short protein forms A199T, A254T.
Identifiers: ClinVar variation 2102733 (VCV002102733.4), dbSNP rs1239569680, ClinGen allele CA396450199.
Genomic context (GRCh38, chr16:68,679,867, plus strand): 5'-GTGATGCAGGTGACAGCCACGGATGAGGATGATGCCATCTACACCTACAATGGGGTGGTT[G>A]CTTACTCCATCCATAGCCAAGAACCAAAGGACCCACACGACCTCATGTTCACCATTCACC-3'
Protein context (NP_001784.2, residues 244-264): DAIYTYNGVV[Ala254Thr]YSIHSQEPKD

ClinVar aggregate classification (germline): Uncertain significance (1 of 4 stars; one submission).

Submission:

Labcorp Genetics (formerly Invitae), Labcorp
Classification: Uncertain significance. Last evaluated: 2022-02-23. Review status: criteria provided, single submitter. Criteria: Invitae Variant Classification Sherloc (09022015). Collection method: clinical testing. Allele origin: germline.
Comment: This sequence change replaces alanine, which is neutral and non-polar, with threonine, which is neutral and polar, at codon 254 of the CDH3 protein (p.Ala254Thr). This variant is present in population databases (no rsID available, gnomAD 0.006%). This variant has not been reported in the literature in individuals affected with CDH3-related conditions. Algorithms developed to predict the effect of missense changes on protein structure and function are either unavailable or do not agree on the potential impact of this missense change (SIFT: "Not Available"; PolyPhen-2: "Probably Damaging"; Align-GVGD: "Not Available"). In summary, the available evidence is currently insufficient to determine the role of this variant in disease. Therefore, it has been classified as a Variant of Uncertain Significance.